The following is an entry in ClinVar:

ClinVar aggregate classification (germline): Pathogenic/Likely pathogenic. Review status: criteria provided, multiple submitters, no conflicts (2 of 4 stars). 5 submissions from 5 submitters: Pathogenic (3); Likely pathogenic (2). Last evaluated 2024-02-23.

Conditions:
Early-infantile DEE. Also called: Ohtahara syndrome; Early infantile epileptic encephalopathy; Early infantile epileptic encephalopathy with suppression bursts. Identifiers: Orphanet 1934, MedGen C0393706, MONDO:0800491.
SCN1A-related disorder. Also called: SCN1A-related disorders; SCN1A-related conditions; SCN1A-related condition.
Severe myoclonic epilepsy in infancy (DRVT). Also called: Severe Myoclonic Epilepsy in Infancy (SMEI); DEVELOPMENTAL AND EPILEPTIC ENCEPHALOPATHY 6A; Dravet syndrome; Epileptic encephalopathy, early infantile, 6 (Dravet syndrome); SEVERE MYOCLONIC EPILEPSY OF INFANCY. Identifiers: Orphanet 33069, MedGen C0751122, MONDO:0100135, OMIM 607208.

Submissions (5):

Labcorp Genetics (formerly Invitae), Labcorp
Classification: Pathogenic for Early-infantile DEE. Last evaluated: 2024-02-23. Review status: criteria provided, single submitter. Criteria: Invitae Variant Classification Sherloc (09022015). Collection method: clinical testing. Allele origin: germline.
Comment: This sequence change replaces methionine, which is neutral and non-polar, with threonine, which is neutral and polar, at codon 1823 of the SCN1A protein (p.Met1823Thr). This variant is not present in population databases (gnomAD no frequency). This missense change has been observed in individual(s) with SCN1A-related conditions (PMID: 24679980, 31031587). In at least one individual the variant was observed to be de novo. ClinVar contains an entry for this variant (Variation ID: 572287). Advanced modeling of protein sequence and biophysical properties (such as structural, functional, and spatial information, amino acid conservation, physicochemical variation, residue mobility, and thermodynamic stability) has been performed at Invitae for this missense variant, however the output from this modeling did not meet the statistical confidence thresholds required to predict the impact of this variant on SCN1A protein function. For these reasons, this variant has been classified as Pathogenic.

GeneDx
Classification: Pathogenic. Last evaluated: 2023-03-02. Review status: criteria provided, single submitter. Criteria: GeneDx Variant Classification Process June 2021. Collection method: clinical testing. Allele origin: germline. Affected: yes.
Comment: Not observed at significant frequency in large population cohorts (gnomAD); Missense variants in this gene are often considered pathogenic (HGMD); In silico analysis supports that this missense variant does not alter protein structure/function; This substitution is predicted to be within the C-terminal cytoplasmic domain; This variant is associated with the following publications: (PMID: 24679980, 31031587, 36471706)

CeGaT Center for Human Genetics Tuebingen
Classification: Likely pathogenic. Last evaluated: 2020-11-01. Review status: criteria provided, single submitter. Criteria: CeGaT Center For Human Genetics Tuebingen Variant Classification Criteria Version 2. Collection method: clinical testing. Allele origin: germline. Affected: yes. Observed: 1 variant allele.

Blueprint Genetics
Classification: Likely pathogenic for SCN1A-related disorders. Last evaluated: 2019-04-02. Review status: criteria provided, single submitter. Criteria: ACMG Guidelines, 2015. Collection method: clinical testing. Allele origin: germline. Affected: yes. Observed: 1 variant allele.

Institute of Human Genetics, University of Leipzig Medical Center
Classification: Pathogenic for Severe myoclonic epilepsy in infancy. Last evaluated: 2017-11-03. Review status: criteria provided, single submitter. Criteria: ACMG Guidelines, 2015. Collection method: clinical testing. Allele origin: germline. Affected: yes. Observed: 1 variant allele.

Literature cited by the submitters: PubMed 24679980 (cited by Labcorp Genetics (formerly Invitae), Labcorp); PubMed 31031587 (cited by Labcorp Genetics (formerly Invitae), Labcorp).

NM_001165963.4(SCN1A):c.5468T>C (p.Met1823Thr)

Genes: SCN1A (sodium voltage-gated channel alpha subunit 1; minus strand), LOC102724058 (uncharacterized LOC102724058; plus strand). Cytogenetic location: 2q24.3.
Variant type: single nucleotide variant.
Coding change: c.5468T>C on transcript NM_001165963.4 (MANE Select); coding-DNA position 5468, T replaced by C.
Protein change: p.Met1823Thr; replaces methionine 1823 with threonine.
Molecular consequence: missense variant. On other transcripts: non-coding transcript variant (1).
Genome position (GRCh38, 1-based): chr2:165,991,807, A>G on the plus strand (T>C on the coding strand, the complement: SCN1A is on the minus strand). VCF-style: chr2-165991807-A-G. GRCh37 (hg19) VCF-style: chr2-166848317-A-G.
Other names: c.5384T>C, p.Met1795Thr (NM_001165964.3, NM_001353957.2, NM_001353958.2); c.5468T>C, p.Met1823Thr (NM_001202435.3, NM_001353948.2); c.5435T>C, p.Met1812Thr (NM_001353949.2, NM_001353950.2, NM_001353951.2 and 2 more transcripts); c.5432T>C, p.Met1811Thr (NM_001353954.2, NM_001353955.2); c.5381T>C, p.Met1794Thr (NM_001353960.2); c.3026T>C, p.Met1009Thr (NM_001353961.2); short protein forms M1812T, M1823T, M1009T, M1795T, M1811T, M1794T.
Identifiers: ClinVar variation 572287 (VCV000572287.49), dbSNP rs1559101839, ClinGen allele CA349065960.